The following is an entry in ClinVar:

NM_001761.3(CCNF):c.530A>G (p.Gln177Arg)

Gene: CCNF (cyclin F; plus strand). Cytogenetic location: 16p13.3.
Variant type: single nucleotide variant.
Coding change: c.530A>G on transcript NM_001761.3 (MANE Select); coding-DNA position 530, A replaced by G.
Protein change: p.Gln177Arg; replaces glutamine 177 with arginine.
Molecular consequence: missense variant. On other transcripts: 5 prime UTR variant (1).
Genome position (GRCh38, 1-based): chr16:2,437,312, A>G. VCF-style: chr16-2437312-A-G. GRCh37 (hg19) VCF-style: chr16-2487313-A-G.
Other names: c.-395A>G (NM_001323538.2); short protein forms Q177R.
Identifiers: ClinVar variation 4823643 (VCV004823643.4).

ClinVar aggregate classification (germline): Uncertain significance (1 of 4 stars; one submission).

gnomAD v4.1: 2 of 1,590,388 alleles (0.00013%); highest among the groups gnomAD compares: Non-Finnish European, 0.00017%; no homozygotes.

Submission:

CeGaT Center for Human Genetics Tuebingen
Classification: Uncertain significance. Last evaluated: 2026-03-01. Review status: criteria provided, single submitter. Criteria: CeGaT Center For Human Genetics Tuebingen Variant Classification Criteria Version 2. Collection method: clinical testing. Allele origin: germline. Affected: yes. Observed: 1 variant allele.
Comment: CCNF: PM2, BP4